The following is an entry in ClinVar:

ClinVar aggregate classification (germline): Pathogenic. Review status: criteria provided, multiple submitters, no conflicts (2 of 4 stars). 2 submissions from 2 submitters: Pathogenic (2). Last evaluated 2022-03-28.

Allele frequency attached by ClinVar (database versions not stated): gnomAD 0.00001.
gnomAD v4.1: 13 of 1,612,026 alleles (0.00081%); highest among the groups gnomAD compares: African/African-American, 0.0013%; no homozygotes.

Submissions (2):

Ambry Genetics
Classification: Pathogenic. Last evaluated: 2022-03-28. Review status: criteria provided, single submitter. Criteria: Ambry Variant Classification Scheme 2023. Collection method: clinical testing. Allele origin: germline.
Comment: The c.727A>T (p.K243*) alteration, located in exon 8 (coding exon 8) of the LARS gene, consists of a A to T substitution at nucleotide position 727. This changes the amino acid from a lysine (K) to a stop codon at amino acid position 243. This alteration is expected to result in loss of function by premature protein truncation or nonsense-mediated mRNA decay. This variant was not reported in population-based cohorts in the Genome Aggregation Database (gnomAD). Based on the available evidence, this alteration is classified as pathogenic.

Labcorp Genetics (formerly Invitae), Labcorp
Classification: Pathogenic. Last evaluated: 2022-02-10. Review status: criteria provided, single submitter. Criteria: Invitae Variant Classification Sherloc (09022015). Collection method: clinical testing. Allele origin: germline.
Comment: This sequence change creates a premature translational stop signal (p.Lys243*) in the LARS gene. It is expected to result in an absent or disrupted protein product. Loss-of-function variants in LARS are known to be pathogenic (PMID: 32699352, 33300650). This variant is not present in population databases (gnomAD no frequency). This premature translational stop signal has been observed in individual(s) with LARS-related conditions (external communication). For these reasons, this variant has been classified as Pathogenic.

Literature cited by the submitters: PubMed 32699352 (cited by Labcorp Genetics (formerly Invitae), Labcorp); PubMed 33300650 (cited by Labcorp Genetics (formerly Invitae), Labcorp).

NM_020117.11(LARS1):c.727A>T (p.Lys243Ter)

Gene: LARS1 (leucyl-tRNA synthetase 1; minus strand). Cytogenetic location: 5q32.
Variant type: single nucleotide variant.
Coding change: c.727A>T on transcript NM_020117.11 (MANE Select); coding-DNA position 727, A replaced by T.
Protein change: p.Lys243Ter; replaces lysine 243 with a stop codon.
Molecular consequence: nonsense.
Genome position (GRCh38, 1-based): chr5:146,159,451, T>A on the plus strand (A>T on the coding strand, the complement: LARS1 is on the minus strand). VCF-style: chr5-146159451-T-A. GRCh37 (hg19) VCF-style: chr5-145539014-T-A.
Other names: c.589A>T, p.Lys197Ter (NM_001317964.2); c.565A>T, p.Lys189Ter (NM_001317965.2); c.646A>T, p.Lys216Ter (NM_016460.4); c.727A>T (NM_020117.9); short protein forms K197*, K243*, K189*, K216*.
Identifiers: ClinVar variation 1939971 (VCV001939971.6), dbSNP rs1002452733, ClinGen allele CA361613817.